The following is an entry in ClinVar:

NM_006996.3(SLC19A2):c.382G>T (p.Glu128Ter)

Gene: SLC19A2 (solute carrier family 19 member 2; minus strand). Cytogenetic location: 1q24.2.
Variant type: single nucleotide variant.
Coding change: c.382G>T on transcript NM_006996.3 (MANE Select); coding-DNA position 382, G replaced by T.
Protein change: p.Glu128Ter; replaces glutamic acid 128 with a stop codon.
Molecular consequence: nonsense. On other transcripts: intron variant (1).
Genome position (GRCh38, 1-based): chr1:169,477,580, C>A on the plus strand (G>T on the coding strand, the complement: SLC19A2 is on the minus strand). VCF-style: chr1-169477580-C-A. GRCh37 (hg19) VCF-style: chr1-169446818-C-A.
Other names: c.205-7394G>T (NM_001319667.1); short protein forms E128*.
Identifiers: ClinVar variation 3646475 (VCV003646475.2).

ClinVar aggregate classification (germline): Pathogenic (1 of 4 stars; one submission).

Submission:

Labcorp Genetics (formerly Invitae), Labcorp
Classification: Pathogenic. Last evaluated: 2024-03-17. Review status: criteria provided, single submitter. Criteria: Invitae Variant Classification Sherloc (09022015). Collection method: clinical testing. Allele origin: germline.
Comment: This sequence change creates a premature translational stop signal (p.Glu128*) in the SLC19A2 gene. It is expected to result in an absent or disrupted protein product. Loss-of-function variants in SLC19A2 are known to be pathogenic (PMID: 10391221, 10391223, 10874303). This variant is not present in population databases (gnomAD no frequency). This variant has not been reported in the literature in individuals affected with SLC19A2-related conditions. For these reasons, this variant has been classified as Pathogenic.

Literature cited by the submitters: PubMed 10391221; PubMed 10391223; PubMed 10874303.